The following is an entry in ClinVar:

NM_005360.5(MAF):c.391_392delinsCT (p.Tyr131Leu)

Gene: MAF (MAF bZIP transcription factor; minus strand). Cytogenetic location: 16q23.2.
Variant type: Indel.
Coding change: c.391_392delinsCT on transcript NM_005360.5 (MANE Select); coding-DNA positions 391 to 392, TA replaced by CT.
Protein change: p.Tyr131Leu; replaces tyrosine 131 with leucine.
Molecular consequence: missense variant.
Genome position (GRCh38, 1-based): chr16:79,599,511-79,599,512, TA replaced by AG on the plus strand (TA replaced by CT on the coding strand, the reverse complement: MAF is on the minus strand). VCF-style: chr16-79599511-TA-AG. GRCh37 (hg19) VCF-style: chr16-79633408-TA-AG.
Other names: c.391_392delinsCT, p.Tyr131Leu (NM_001031804.3); short protein forms Y131L.
Identifiers: ClinVar variation 2672656 (VCV002672656.23), dbSNP rs2507664419, ClinGen allele CA2695197685.

ClinVar aggregate classification (germline): Uncertain significance (1 of 4 stars; one submission).

Submission:

CeGaT Center for Human Genetics Tuebingen
Classification: Uncertain significance. Last evaluated: 2023-11-01. Review status: criteria provided, single submitter. Criteria: CeGaT Center For Human Genetics Tuebingen Variant Classification Criteria Version 2. Collection method: clinical testing. Allele origin: germline. Affected: yes. Observed: 1 variant allele.
Comment: MAF: PM2